The following is an entry in ClinVar:

NM_002839.4(PTPRD):c.3342C>T (p.Phe1114=)

Gene: PTPRD (protein tyrosine phosphatase receptor type D; minus strand). Cytogenetic location: 9p24.1.
Variant type: single nucleotide variant.
Coding change: c.3342C>T on transcript NM_002839.4 (MANE Select); coding-DNA position 3342, C replaced by T.
Protein change: p.Phe1114=; no amino-acid change (phenylalanine 1114 retained).
Molecular consequence: synonymous variant.
Genome position (GRCh38, 1-based): chr9:8,484,190, G>A on the plus strand (C>T on the coding strand, the complement: PTPRD is on the minus strand). VCF-style: chr9-8484190-G-A. GRCh37 (hg19) VCF-style: chr9-8484190-G-A.
Other names: c.2100C>T, p.Phe700= (NM_001040712.2); c.2079C>T, p.Phe693= (NM_001171025.2); c.2091C>T, p.Phe697= (NM_001377946.1); c.2103C>T, p.Phe701= (NM_001377947.1); c.3345C>T, p.Phe1115= (NM_001377958.1); c.3342C>T, p.Phe1114= (NM_001378058.1); c.2109C>T, p.Phe703= (NM_130391.4, NM_130392.3); c.2094C>T, p.Phe698= (NM_130393.3).
Identifiers: ClinVar variation 782525 (VCV000782525.7), dbSNP rs61733195, ClinGen allele CA4983855.
Genomic context (GRCh38, chr9:8,484,190, plus strand): 5'-ATTTGCAGGTACTTCAGGCAGTTGCACAGTAATCATGCCATCCAAGTTGGTCTTCCCAAT[G>A]AAGGCAGGCTTGGTACGTAATACATCTGGTGCAGTCTTTGCCGTGACCCTGTGCTGCAGC-3'
Protein context (NP_002830.1, residues 1104-1124): APDVLRTKPA[Phe1114=]IGKTNLDGMI

ClinVar aggregate classification (germline): Benign. Review status: criteria provided, multiple submitters, no conflicts (2 of 4 stars). 3 submissions from 3 submitters: Benign (2). 1 of the submissions does not count toward it. Last evaluated 2019-12-31.

Conditions:
PTPRD-related disorder. Also called: PTPRD-related condition.

Allele frequency attached by ClinVar (database versions not stated): gnomAD exomes 0.00187 and 0.00065; gnomAD 0.00709 and 0.00767; ESP Exome Variant Server 0.00792; 1000 Genomes Project 30x 0.00874; ExAC 0.00226; TOPMed 0.00810; 1000 Genomes Project 0.00839.
gnomAD v4.1: 2,063 of 1,614,170 alleles (0.13%); highest among the groups gnomAD compares: African/African-American, 2.4%; 25 homozygotes.

Submissions (3):

Labcorp Genetics (formerly Invitae), Labcorp
Classification: Benign. Last evaluated: 2019-12-31. Review status: criteria provided, single submitter. Criteria: Invitae Variant Classification Sherloc (09022015). Collection method: clinical testing. Allele origin: germline.

Breakthrough Genomics
Classification: Benign. Review status: criteria provided, single submitter. Criteria: ACMG Guidelines, 2015. Collection method: not provided. Allele origin: germline. Inheritance: Unknown mechanism. Affected: yes.

PreventionGenetics, part of Exact Sciences
Classification: Benign for PTPRD-related condition. Last evaluated: 2019-04-11. Review status: no assertion criteria provided. Collection method: clinical testing. Allele origin: germline. Not counted in ClinVar's aggregate classification.
Comment: This variant is classified as benign based on ACMG/AMP sequence variant interpretation guidelines (Richards et al. 2015 PMID: 25741868, with internal and published modifications).